The following is an entry in ClinVar:

ClinVar aggregate classification (germline): Uncertain significance (1 of 4 stars; one submission).

Submission:

Labcorp Genetics (formerly Invitae), Labcorp
Classification: Uncertain significance. Last evaluated: 2022-10-17. Review status: criteria provided, single submitter. Criteria: Invitae Variant Classification Sherloc (09022015). Collection method: clinical testing. Allele origin: germline.
Comment: This variant results in a copy number gain of the genomic region encompassing exon(s) 8 of the PDSS2 gene. This region includes the termination codon of the gene. This copy number gain extends beyond the assayed region for this gene and therefore may encompass additional genes. As the precise location of this event is unknown, it may be in tandem or it may be located elsewhere in the genome. This variant has not been reported in the literature in individuals affected with PDSS2-related conditions. In summary, the available evidence is currently insufficient to determine the role of this variant in disease. Therefore, it has been classified as a Variant of Uncertain Significance.

NC_000006.11:g.(?_107475823)_(107476001_?)dup

Gene: PDSS2 (decaprenyl diphosphate synthase subunit 2; minus strand). Cytogenetic location: 6q21.
Variant type: Duplication.
Identifiers: ClinVar variation 1440025 (VCV001440025.4).